The following is an entry in ClinVar:

NM_178857.6(RP1L1):c.274G>A (p.Ala92Thr)

Gene: RP1L1 (RP1 like 1). Cytogenetic location: 8p23.1.
Variant type: single nucleotide variant.
Coding change: c.274G>A on transcript NM_178857.6 (MANE Select); coding-DNA position 274, G replaced by A.
Protein change: p.Ala92Thr; replaces alanine 92 with threonine.
Molecular consequence: missense variant.
Genome position (GRCh38, 1-based): chr8:10,622,928, C>T on the plus strand (G>A on the coding strand, the complement: RP1L1 is on the minus strand). VCF-style: chr8-10622928-C-T. GRCh37 (hg19) VCF-style: chr8-10480438-C-T.
Other names: c.274G>A (NM_178857.5); short protein forms A92T.
Identifiers: ClinVar variation 810257 (VCV000810257.47), dbSNP rs759671638, ClinGen allele CA4625781.
Genomic context (GRCh38, chr8:10,622,928, plus strand): 5'-TCTTGGGGGGCTTCTTATCAGAGCAGAGGTAGCAGCCTCCATCTTCCAGCTGCTCCAGGG[C>T]GCTGAGGCTATGCAGGCCCCGGGGTGTGGTGACAGAGCGCACCCCAAAGGAGAGAGGCAC-3'
Protein context (NP_849188.4, residues 82-102): TTPRGLHSLS[Ala92Thr]LEQLEDGGCY

ClinVar aggregate classification (germline): Uncertain significance. Review status: criteria provided, multiple submitters, no conflicts (2 of 4 stars). 3 submissions from 3 submitters: Uncertain significance (3). Last evaluated 2025-11-05.

Conditions:
Inborn genetic diseases. Identifiers: MedGen C0950123, MeSH D030342.

Allele frequency attached by ClinVar (database versions not stated): ExAC 0.00002; gnomAD exomes 0.00004; gnomAD 0.00007.
gnomAD v4.1: 80 of 1,613,870 alleles (0.005%); highest among the groups gnomAD compares: Middle Eastern, 0.016%; no homozygotes.

Submissions (3):

Labcorp Genetics (formerly Invitae), Labcorp
Classification: Uncertain significance. Last evaluated: 2025-11-05. Review status: criteria provided, single submitter. Criteria: Invitae Variant Classification Sherloc (09022015). Collection method: clinical testing. Allele origin: germline.
Comment: This sequence change replaces alanine, which is neutral and non-polar, with threonine, which is neutral and polar, at codon 92 of the RP1L1 protein (p.Ala92Thr). This variant is present in population databases (rs759671638, gnomAD 0.01%). This variant has not been reported in the literature in individuals affected with RP1L1-related conditions. ClinVar contains an entry for this variant (Variation ID: 810257). Invitae Evidence Modeling of protein sequence and biophysical properties (such as structural, functional, and spatial information, amino acid conservation, physicochemical variation, residue mobility, and thermodynamic stability) indicates that this missense variant is not expected to disrupt RP1L1 protein function with a negative predictive value of 80%. In summary, the available evidence is currently insufficient to determine the role of this variant in disease. Therefore, it has been classified as a Variant of Uncertain Significance.

Ambry Genetics
Classification: Uncertain significance for Inborn genetic diseases. Last evaluated: 2023-03-06. Review status: criteria provided, single submitter. Criteria: Ambry Variant Classification Scheme 2023. Collection method: clinical testing. Allele origin: germline.

CeGaT Center for Human Genetics Tuebingen
Classification: Uncertain significance. Last evaluated: 2019-01-01. Review status: criteria provided, single submitter. Criteria: CeGaT Center For Human Genetics Tuebingen Variant Classification Criteria Version 2. Collection method: clinical testing. Allele origin: germline. Affected: yes. Observed: 2 variant alleles.